The following is an entry in ClinVar:

NM_000384.3(APOB):c.1813G>A (p.Glu605Lys)

Gene: APOB (apolipoprotein B; minus strand). Cytogenetic location: 2p24.1.
Variant type: single nucleotide variant.
Coding change: c.1813G>A on transcript NM_000384.3 (MANE Select); coding-DNA position 1813, G replaced by A.
Protein change: p.Glu605Lys; replaces glutamic acid 605 with lysine.
Molecular consequence: missense variant.
Genome position (GRCh38, 1-based): chr2:21,028,343, C>T on the plus strand (G>A on the coding strand, the complement: APOB is on the minus strand). VCF-style: chr2-21028343-C-T. GRCh37 (hg19) VCF-style: chr2-21251215-C-T.
Other names: short protein forms E605K.
Identifiers: ClinVar variation 4057071 (VCV004057071.2).

ClinVar aggregate classification (germline): Uncertain significance. Review status: criteria provided, multiple submitters, no conflicts (2 of 4 stars). 2 submissions from 2 submitters: Uncertain significance (2). Last evaluated 2025-05-29.

Conditions:
Familial hypercholesterolemia. Also called: Familial hypercholesterolaemia. Identifiers: MedGen C0020445, MONDO:0005439.

gnomAD v4.1: 4 of 1,613,390 alleles (0.00025%); highest among the groups gnomAD compares: African/African-American, 0.004%; no homozygotes.

Submissions (2):

Cambridge Genomics Laboratory, East Genomic Laboratory Hub, NHS Genomic Medicine Service
Classification: Uncertain significance for Familial hypercholesterolaemia. Last evaluated: 2025-05-29. Review status: criteria provided, single submitter. Criteria: ACGS Best Practice Guidelines for Variant Classification in Rare Disease 2020. Collection method: clinical testing. Allele origin: germline. Affected: yes.
Comment: PM2,BP4

GeneDx
Classification: Uncertain significance. Last evaluated: 2025-01-12. Review status: criteria provided, single submitter. Criteria: GeneDx Variant Classification Process June 2021. Collection method: clinical testing. Allele origin: germline. Affected: yes.
Comment: Not observed at significant frequency in large population cohorts (gnomAD); In silico analysis supports that this missense variant has a deleterious effect on protein structure/function; Has not been previously published as pathogenic or benign to our knowledge